The following is an entry in ClinVar:

NM_032737.4(LMNB2):c.1744G>A (p.Val582Met)

Gene: LMNB2 (lamin B2; minus strand). Cytogenetic location: 19p13.3.
Variant type: single nucleotide variant.
Coding change: c.1744G>A on transcript NM_032737.4 (MANE Select); coding-DNA position 1744, G replaced by A.
Protein change: p.Val582Met; replaces valine 582 with methionine.
Molecular consequence: missense variant.
Genome position (GRCh38, 1-based): chr19:2,431,625, C>T on the plus strand (G>A on the coding strand, the complement: LMNB2 is on the minus strand). VCF-style: chr19-2431625-C-T. GRCh37 (hg19) VCF-style: chr19-2431623-C-T.
Other names: short protein forms V582M.
Identifiers: ClinVar variation 2064424 (VCV002064424.11), dbSNP rs749496136, ClinGen allele CA9067320.

ClinVar aggregate classification (germline): Conflicting classifications of pathogenicity. Review status: criteria provided, conflicting classifications (1 of 4 stars). 3 submissions from 3 submitters: Uncertain significance (2); Likely benign (1). Last evaluated 2025-09-01.

Conditions:
Lipodystrophy, partial, acquired, susceptibility to (APLD). Also called: APLD, SUSCEPTIBILITY TO. Identifiers: MedGen C3887501, MONDO:0100476, OMIM 608709.
Progressive myoclonic epilepsy type 9. Identifiers: Orphanet 457265, MedGen C4225289, MONDO:0014685, OMIM 616540.

Allele frequency attached by ClinVar (database versions not stated): gnomAD 0.00001; gnomAD exomes 0.00001; TOPMed 0.00002; ExAC 0.00005.
gnomAD v4.1: 13 of 1,614,032 alleles (0.00081%); highest among the groups gnomAD compares: Admixed American, 0.017%; no homozygotes.

Submissions (3):

CeGaT Center for Human Genetics Tuebingen
Classification: Likely benign. Last evaluated: 2025-09-01. Review status: criteria provided, single submitter. Criteria: CeGaT Center For Human Genetics Tuebingen Variant Classification Criteria Version 2. Collection method: clinical testing. Allele origin: germline. Affected: yes. Observed: 1 variant allele.
Comment: LMNB2: BP4, BS2

Labcorp Genetics (formerly Invitae), Labcorp
Classification: Uncertain significance for Progressive myoclonic epilepsy type 9; Lipodystrophy, partial, acquired, susceptibility to. Last evaluated: 2023-06-05. Review status: criteria provided, single submitter. Criteria: Invitae Variant Classification Sherloc (09022015). Collection method: clinical testing. Allele origin: germline.
Comment: In summary, the available evidence is currently insufficient to determine the role of this variant in disease. Therefore, it has been classified as a Variant of Uncertain Significance. Advanced modeling of protein sequence and biophysical properties (such as structural, functional, and spatial information, amino acid conservation, physicochemical variation, residue mobility, and thermodynamic stability) performed at Invitae indicates that this missense variant is not expected to disrupt LMNB2 protein function. ClinVar contains an entry for this variant (Variation ID: 2064424). This variant has not been reported in the literature in individuals affected with LMNB2-related conditions. This variant is present in population databases (rs749496136, gnomAD 0.03%). This sequence change replaces valine, which is neutral and non-polar, with methionine, which is neutral and non-polar, at codon 582 of the LMNB2 protein (p.Val582Met).

Ambry Genetics
Classification: Uncertain significance. Last evaluated: 2022-06-21. Review status: criteria provided, single submitter. Criteria: Ambry Variant Classification Scheme 2023. Collection method: clinical testing. Allele origin: germline.